The following is an entry in ClinVar:

NM_005051.3(QARS1):c.125A>C (p.Gln42Pro)

Gene: QARS1 (glutaminyl-tRNA synthetase 1; minus strand). Cytogenetic location: 3p21.31.
Variant type: single nucleotide variant.
Coding change: c.125A>C on transcript NM_005051.3 (MANE Select); coding-DNA position 125, A replaced by C.
Protein change: p.Gln42Pro; replaces glutamine 42 with proline.
Molecular consequence: missense variant. On other transcripts: non-coding transcript variant (1).
Genome position (GRCh38, 1-based): chr3:49,104,464, T>G on the plus strand (A>C on the coding strand, the complement: QARS1 is on the minus strand). VCF-style: chr3-49104464-T-G. GRCh37 (hg19) VCF-style: chr3-49141897-T-G.
Other names: c.125A>C (NM_005051.1); c.125A>C, p.Gln42Pro (NM_001272073.2); short protein forms Q42P.
Identifiers: ClinVar variation 544144 (VCV000544144.30), dbSNP rs546520104, ClinGen allele CA2392290.

ClinVar aggregate classification (germline): Uncertain significance. Review status: criteria provided, multiple submitters, no conflicts (2 of 4 stars). 4 submissions from 4 submitters: Uncertain significance (4). Last evaluated 2025-08-23.

Conditions:
Inborn genetic diseases. Identifiers: MedGen C0950123, MeSH D030342.
Diffuse cerebral and cerebellar atrophy - intractable seizures - progressive microcephaly syndrome. Also called: Microcephaly, progressive, with seizures and cerebral and cerebellar atrophy. Identifiers: Orphanet 404437, MedGen C4014239, MONDO:0014335, OMIM 615760.

Allele frequency attached by ClinVar (database versions not stated): TOPMed 0.00003.
gnomAD v4.1: 41 of 1,614,090 alleles (0.0025%); highest among the groups gnomAD compares: Middle Eastern, 0.017%; no homozygotes.

Submissions (4):

Ambry Genetics
Classification: Uncertain significance for Inborn genetic diseases. Last evaluated: 2025-08-23. Review status: criteria provided, single submitter. Criteria: Ambry Variant Classification Scheme 2023. Collection method: clinical testing. Allele origin: germline.

CeGaT Center for Human Genetics Tuebingen
Classification: Uncertain significance. Last evaluated: 2022-08-01. Review status: criteria provided, single submitter. Criteria: CeGaT Center For Human Genetics Tuebingen Variant Classification Criteria Version 2. Collection method: clinical testing. Allele origin: germline. Affected: yes. Observed: 1 variant allele.
Comment: QARS1: PM2, BP4

Labcorp Genetics (formerly Invitae), Labcorp
Classification: Uncertain significance. Last evaluated: 2021-11-04. Review status: criteria provided, single submitter. Criteria: Invitae Variant Classification Sherloc (09022015). Collection method: clinical testing. Allele origin: germline.
Comment: This sequence change replaces glutamine, which is neutral and polar, with proline, which is neutral and non-polar, at codon 42 of the QARS protein (p.Gln42Pro). This variant is present in population databases (rs546520104, gnomAD 0.008%). This variant has not been reported in the literature in individuals affected with QARS-related conditions. ClinVar contains an entry for this variant (Variation ID: 544144). Algorithms developed to predict the effect of missense changes on protein structure and function (SIFT, PolyPhen-2, Align-GVGD) all suggest that this variant is likely to be tolerated. In summary, the available evidence is currently insufficient to determine the role of this variant in disease. Therefore, it has been classified as a Variant of Uncertain Significance.

New York Genome Center
Classification: Uncertain significance for Diffuse cerebral and cerebellar atrophy - intractable seizures - progressive microcephaly syndrome. Last evaluated: 2020-09-19. Review status: criteria provided, single submitter. Criteria: NYGC Assertion Criteria 2020. Collection method: clinical testing. Allele origin: germline. Observed: 1 heterozygote. Study: CSER-NYCKidSeq.